The following is an entry in ClinVar:

ClinVar aggregate classification (germline): Uncertain significance (1 of 4 stars; one submission).

Conditions:
Cardiovascular phenotype. Identifiers: MedGen CN230736.

gnomAD v4.1: 6 of 1,605,950 alleles (0.00037%); highest among the groups gnomAD compares: Non-Finnish European, 0.00051%; no homozygotes.

Submission:

Ambry Genetics
Classification: Uncertain significance for Cardiovascular phenotype. Last evaluated: 2024-02-06. Review status: criteria provided, single submitter. Criteria: Ambry Variant Classification Scheme 2023. Collection method: clinical testing. Allele origin: germline.
Comment: The p.A1199S variant (also known as c.3595G>T), located in coding exon 24 of the MYH6 gene, results from a G to T substitution at nucleotide position 3595. The alanine at codon 1199 is replaced by serine, an amino acid with similar properties. This amino acid position is conserved. In addition, the in silico prediction for this alteration is inconclusive. Based on the available evidence, the clinical significance of this alteration remains unclear.

NM_002471.4(MYH6):c.3595G>T (p.Ala1199Ser)

Gene: MYH6 (myosin heavy chain 6; minus strand). Cytogenetic location: 14q11.2.
Variant type: single nucleotide variant.
Coding change: c.3595G>T on transcript NM_002471.4 (MANE Select); coding-DNA position 3595, G replaced by T.
Protein change: p.Ala1199Ser; replaces alanine 1199 with serine.
Molecular consequence: missense variant.
Genome position (GRCh38, 1-based): chr14:23,390,194, C>A on the plus strand (G>T on the coding strand, the complement: MYH6 is on the minus strand). VCF-style: chr14-23390194-C-A. GRCh37 (hg19) VCF-style: chr14-23859403-C-A.
Other names: short protein forms A1199S.
Identifiers: ClinVar variation 2322318 (VCV002322318.2), dbSNP rs369942086, ClinGen allele CA389005845.